The following is an entry in ClinVar:

ClinVar aggregate classification (germline): Likely benign (1 of 4 stars; one submission).

gnomAD v4.1: 31 of 1,614,000 alleles (0.0019%); highest among the groups gnomAD compares: Admixed American, 0.037%; no homozygotes.

Submission:

CeGaT Center for Human Genetics Tuebingen
Classification: Likely benign. Last evaluated: 2026-09-01. Review status: criteria provided, single submitter. Criteria: CeGaT Center For Human Genetics Tuebingen Variant Classification Criteria Version 2. Collection method: clinical testing. Allele origin: germline. Affected: yes. Observed: 1 variant allele.
Comment: SHANK2: BP4

NM_012309.5(SHANK2):c.4026C>G (p.Asp1342Glu)

Gene: SHANK2 (SH3 and multiple ankyrin repeat domains 2; minus strand). Cytogenetic location: 11q13.3.
Variant type: single nucleotide variant.
Coding change: c.4026C>G on transcript NM_012309.5 (MANE Select); coding-DNA position 4026, C replaced by G.
Protein change: p.Asp1342Glu; replaces aspartic acid 1342 with glutamic acid.
Molecular consequence: missense variant.
Genome position (GRCh38, 1-based): chr11:70,486,267, G>C on the plus strand (C>G on the coding strand, the complement: SHANK2 is on the minus strand). VCF-style: chr11-70486267-G-C. GRCh37 (hg19) VCF-style: chr11-70332372-G-C.
Other names: c.2889C>G, p.Asp963Glu (NM_001379226.1); c.4146C>G, p.Asp1382Glu (NM_001441024.1); c.3975C>G, p.Asp1325Glu (NM_001441025.1, NM_001441026.1, NM_001441027.1 and 8 more transcripts); c.3948C>G, p.Asp1316Glu (NM_001441035.1, NM_001441036.1, NM_001441037.1); c.3903C>G, p.Asp1301Glu (NM_001441038.1); c.2859C>G, p.Asp953Glu (NM_001441040.1); c.2811C>G, p.Asp937Glu (NM_001441041.1); c.2253C>G, p.Asp751Glu (NM_001441042.1); and 6 more; short protein forms D1301E, D1316E, D1325E, D1342E, D1382E, D710E, D728E, D737E.
Identifiers: ClinVar variation 5041130 (VCV005041130.1).